The following is an entry in ClinVar:

ClinVar aggregate classification (germline): Uncertain significance. Review status: criteria provided, multiple submitters, no conflicts (2 of 4 stars). 2 submissions from 2 submitters: Uncertain significance (2). Last evaluated 2023-09-12.

Allele frequency attached by ClinVar (database versions not stated): TOPMed below 0.00001; ExAC 0.00001; gnomAD exomes 0.00001.
gnomAD v4.1: 21 of 1,613,486 alleles (0.0013%); highest among the groups gnomAD compares: Non-Finnish European, 0.0018%; no homozygotes.

Submissions (2):

Blueprint Genetics
Classification: Uncertain significance. Last evaluated: 2023-09-12. Review status: criteria provided, single submitter. Criteria: ACMG Guidelines, 2015. Collection method: clinical testing. Allele origin: germline.

Labcorp Genetics (formerly Invitae), Labcorp
Classification: Uncertain significance. Last evaluated: 2020-12-05. Review status: criteria provided, single submitter. Criteria: Invitae Variant Classification Sherloc (09022015). Collection method: clinical testing. Allele origin: germline.
Comment: Algorithms developed to predict the effect of missense changes on protein structure and function (SIFT, PolyPhen-2, Align-GVGD) all suggest that this variant is likely to be tolerated, but these predictions have not been confirmed by published functional studies and their clinical significance is uncertain. In summary, the available evidence is currently insufficient to determine the role of this variant in disease. Therefore, it has been classified as a Variant of Uncertain Significance. This variant has not been reported in the literature in individuals with KCNV2-related conditions. This variant is present in population databases (rs766337592, ExAC 0.002%). This sequence change replaces alanine with valine at codon 156 of the KCNV2 protein (p.Ala156Val). The alanine residue is moderately conserved and there is a small physicochemical difference between alanine and valine.

NM_133497.4(KCNV2):c.467C>T (p.Ala156Val)

Gene: KCNV2 (potassium voltage-gated channel modifier subfamily V member 2; plus strand). Cytogenetic location: 9p24.2.
Variant type: single nucleotide variant.
Coding change: c.467C>T on transcript NM_133497.4 (MANE Select); coding-DNA position 467, C replaced by T.
Protein change: p.Ala156Val; replaces alanine 156 with valine.
Molecular consequence: missense variant.
Genome position (GRCh38, 1-based): chr9:2,718,206, C>T. VCF-style: chr9-2718206-C-T. GRCh37 (hg19) VCF-style: chr9-2718206-C-T.
Other names: short protein forms A156V.
Identifiers: ClinVar variation 843717 (VCV000843717.8), dbSNP rs766337592, ClinGen allele CA4965465.